The following is an entry in ClinVar:

NM_000256.3(MYBPC3):c.179A>G (p.Glu60Gly)

Gene: MYBPC3 (myosin binding protein C3; minus strand). Cytogenetic location: 11p11.2.
Variant type: single nucleotide variant.
Coding change: c.179A>G on transcript NM_000256.3 (MANE Select); coding-DNA position 179, A replaced by G.
Protein change: p.Glu60Gly; replaces glutamic acid 60 with glycine.
Molecular consequence: missense variant.
Genome position (GRCh38, 1-based): chr11:47,351,352, T>C on the plus strand (A>G on the coding strand, the complement: MYBPC3 is on the minus strand). VCF-style: chr11-47351352-T-C. GRCh37 (hg19) VCF-style: chr11-47372903-T-C.
Other names: short protein forms E60G.
Identifiers: ClinVar variation 3069606 (VCV003069606.1), dbSNP rs2495786167, ClinGen allele CA380341767.

ClinVar aggregate classification (germline): Uncertain significance (1 of 4 stars; one submission).

Conditions:
Hypertrophic cardiomyopathy. Also called: HYPERTROPHIC MYOCARDIOPATHY. Identifiers: Orphanet 217569, MedGen C0007194, MeSH D002312, MONDO:0005045, HP:0001639.

Submission:

All of Us Research Program, National Institutes of Health
Classification: Uncertain significance for Hypertrophic cardiomyopathy. Last evaluated: 2023-02-24. Review status: criteria provided, single submitter. Criteria: ACMG Guidelines, 2015. Collection method: clinical testing. Allele origin: germline. Inheritance: Autosomal dominant inheritance. Observed: 1 variant allele, 1 heterozygote.
Comment: This missense variant replaces glutamic acid with glycine at codon 60 of the MYBPC3 protein. Computational prediction suggests that this variant may not impact protein structure and function (internally defined REVEL score threshold <= 0.5, PMID: 27666373). To our knowledge, functional studies have not been reported for this variant. This variant has not been reported in individuals affected with MYBPC3-related disorders in the literature. This variant has not been identified in the general population by the Genome Aggregation Database (gnomAD). The available evidence is insufficient to determine the role of this variant in disease conclusively. Therefore, this variant is classified as a Variant of Uncertain Significance.

This study involves interpretation of variants in research participants for the purpose of population health screening. Participant phenotype was not available at the time of variant classification. Additional details can be found in publication PMID: 35346344, PMCID: PMC8962531